The following is an entry in ClinVar:

NM_013266.4(CTNNA3):c.2573T>C (p.Leu858Ser)

Gene: CTNNA3 (catenin alpha 3; minus strand). Cytogenetic location: 10q21.3.
Variant type: single nucleotide variant.
Coding change: c.2573T>C on transcript NM_013266.4 (MANE Select); coding-DNA position 2573, T replaced by C.
Protein change: p.Leu858Ser; replaces leucine 858 with serine.
Molecular consequence: missense variant.
Genome position (GRCh38, 1-based): chr10:65,920,445, A>G on the plus strand (T>C on the coding strand, the complement: CTNNA3 is on the minus strand). VCF-style: chr10-65920445-A-G. GRCh37 (hg19) VCF-style: chr10-67680203-A-G.
Other names: c.2573T>C, p.Leu858Ser (NM_001127384.3); short protein forms L858S.
Identifiers: ClinVar variation 155780 (VCV000155780.28), dbSNP rs41313840, ClinGen allele CA345781.

ClinVar aggregate classification (germline): Conflicting classifications of pathogenicity. Review status: criteria provided, conflicting classifications (1 of 4 stars). 5 submissions from 5 submitters: Uncertain significance (1); Likely benign (3). 1 of the submissions does not count toward it. Last evaluated 2026-05-18.

Conditions:
CTNNA3-related disorder. Also called: CTNNA3-related condition.
Arrhythmogenic right ventricular dysplasia 13. Also called: ARRHYTHMOGENIC RIGHT VENTRICULAR CARDIOMYOPATHY 13; Arrhythmogenic right ventricular dysplasia, familial, 13. Identifiers: MedGen C3810138, MONDO:0000908, OMIM 615616.

Allele frequency attached by ClinVar (database versions not stated): 1000 Genomes Project 30x 0.00016; gnomAD 0.00028 and 0.00030; TOPMed 0.00029; ExAC 0.00034; gnomAD exomes 0.00034 and 0.00057; ESP Exome Variant Server 0.00038.
gnomAD v4.1: 865 of 1,613,982 alleles (0.054%); highest among the groups gnomAD compares: South Asian, 0.11%; 2 homozygotes.

Submissions (5):

Women's Health and Genetics/Laboratory Corporation of America, LabCorp
Classification: Likely benign. Last evaluated: 2026-05-18. Review status: criteria provided, single submitter. Criteria: LabCorp Variant Classification Summary - May 2015. Collection method: clinical testing. Allele origin: germline.

Labcorp Genetics (formerly Invitae), Labcorp
Classification: Likely benign for Arrhythmogenic right ventricular dysplasia 13. Last evaluated: 2026-01-21. Review status: criteria provided, single submitter. Criteria: Invitae Variant Classification Sherloc (09022015). Collection method: clinical testing. Allele origin: germline.

Blueprint Genetics
Classification: Likely benign. Last evaluated: 2024-11-27. Review status: criteria provided, single submitter. Criteria: ACMG Guidelines, 2015. Collection method: clinical testing. Allele origin: germline.

GeneDx
Classification: Uncertain significance. Last evaluated: 2024-06-10. Review status: criteria provided, single submitter. Criteria: GeneDx Variant Classification Process June 2021. Collection method: clinical testing. Allele origin: germline. Affected: yes.
Comment: In silico analysis supports that this missense variant has a deleterious effect on protein structure/function; Variants in candidate genes are classified as variants of uncertain significance in accordance with ACMG guidelines (PMID: 25741868); This variant is associated with the following publications: (PMID: 31847883, 30975432)

PreventionGenetics, part of Exact Sciences
Classification: Likely benign for CTNNA3-related condition. Last evaluated: 2024-06-27. Review status: no assertion criteria provided. Collection method: clinical testing. Allele origin: germline. Not counted in ClinVar's aggregate classification.
Comment: This variant is classified as likely benign based on ACMG/AMP sequence variant interpretation guidelines (Richards et al. 2015 PMID: 25741868, with internal and published modifications).